The following is an entry in ClinVar:

ClinVar aggregate classification (germline): Uncertain significance (1 of 4 stars; one submission).

Conditions:
Developmental and epileptic encephalopathy, 17 (DEE17). Also called: Early infantile epileptic encephalopathy 17. Identifiers: Orphanet 1934, MedGen C3809606, MONDO:0014199, OMIM 615473.

Submission:

Institute of Human Genetics, University of Leipzig Medical Center
Classification: Uncertain significance for Developmental and epileptic encephalopathy, 17. Last evaluated: 2024-07-17. Review status: criteria provided, single submitter. Criteria: ACMG Guidelines, 2015. Collection method: clinical testing. Allele origin: unknown. Inheritance: Autosomal dominant inheritance. Affected: yes.
Comment: Criteria applied: PM2,PP3

NM_020988.3(GNAO1):c.303+3A>G

Gene: GNAO1 (G protein subunit alpha o1; plus strand). Cytogenetic location: 16q13.
Variant type: single nucleotide variant.
Coding change: c.303+3A>G on transcript NM_020988.3 (MANE Select); 3 bases into the intron after coding-DNA position 303, A replaced by G.
Molecular consequence: intron variant.
Genome position (GRCh38, 1-based): chr16:56,276,075, A>G. VCF-style: chr16-56276075-A-G. GRCh37 (hg19) VCF-style: chr16-56309987-A-G.
Other names: c.303+3A>G (NM_138736.3).
Identifiers: ClinVar variation 3359014 (VCV003359014.2).